The following is an entry in ClinVar:

ClinVar aggregate classification (germline): Uncertain significance (1 of 4 stars; one submission).

Conditions:
Neurofibromatosis, type 1 (NF1). Also called: VON RECKLINGHAUSEN DISEASE; NEUROFIBROMATOSIS, TYPE I, SOMATIC; Peripheral type neurofibromatosis; Neurofibromatosis, type I. Identifiers: Orphanet 636, MedGen C0027831, MONDO:0018975, OMIM 162200. Disease mechanism: loss of function.

Submission:

Labcorp Genetics (formerly Invitae), Labcorp
Classification: Uncertain significance for Neurofibromatosis, type 1. Last evaluated: 2023-07-12. Review status: criteria provided, single submitter. Criteria: Invitae Variant Classification Sherloc (09022015). Collection method: clinical testing. Allele origin: germline.
Comment: This sequence change replaces serine, which is neutral and polar, with arginine, which is basic and polar, at codon 1427 of the NF1 protein (p.Ser1427Arg). In summary, the available evidence is currently insufficient to determine the role of this variant in disease. Therefore, it has been classified as a Variant of Uncertain Significance. Advanced modeling of protein sequence and biophysical properties (such as structural, functional, and spatial information, amino acid conservation, physicochemical variation, residue mobility, and thermodynamic stability) has been performed at Invitae for this missense variant, however the output from this modeling did not meet the statistical confidence thresholds required to predict the impact of this variant on NF1 protein function. ClinVar contains an entry for this variant (Variation ID: 457694). This variant has not been reported in the literature in individuals affected with NF1-related conditions. This variant is not present in population databases (gnomAD no frequency).

NM_001042492.3(NF1):c.4344T>G (p.Ser1448Arg)

Gene: NF1 (neurofibromin 1; plus strand). Cytogenetic location: 17q11.2.
Variant type: single nucleotide variant.
Coding change: c.4344T>G on transcript NM_001042492.3 (MANE Select); coding-DNA position 4344, T replaced by G.
Protein change: p.Ser1448Arg; replaces serine 1448 with arginine.
Molecular consequence: missense variant.
Genome position (GRCh38, 1-based): chr17:31,259,043, T>G. VCF-style: chr17-31259043-T-G. GRCh37 (hg19) VCF-style: chr17-29586061-T-G.
Other names: c.4281T>G, p.Ser1427Arg (NM_000267.4); short protein forms S1427R, S1448R.
Identifiers: ClinVar variation 457694 (VCV000457694.7), dbSNP rs1555618644, ClinGen allele CA398998713.
Genomic context (GRCh38, chr17:31,259,043, plus strand): 5'-TTCATACAATAAATAATCTGATTATTTATAACCCTGTTTTATTGTGTAGATACTTCAGAG[T>G]ATTGCCAATCATGTTCTCTTCACAAAAGAAGAACATATGCGGCCTTTCAATGATTTTGTG-3'
Protein context (NP_001035957.1, residues 1438-1458): GLKLMSKILQ[Ser1448Arg]IANHVLFTKE